The following is an entry in ClinVar:

ClinVar aggregate classification (germline): Uncertain significance. Review status: criteria provided, multiple submitters, no conflicts (2 of 4 stars). 2 submissions from 2 submitters: Uncertain significance (2). Last evaluated 2025-04-07.

Conditions:
Inborn genetic diseases. Identifiers: MedGen C0950123, MeSH D030342.

Allele frequency attached by ClinVar (database versions not stated): TOPMed 0.00001; ExAC 0.00002; gnomAD exomes 0.00003; ESP Exome Variant Server 0.00008.
gnomAD v4.1: 44 of 1,606,852 alleles (0.0027%); highest among the groups gnomAD compares: South Asian, 0.032%; no homozygotes.

Submissions (2):

Ambry Genetics
Classification: Uncertain significance for Inborn genetic diseases. Last evaluated: 2025-04-07. Review status: criteria provided, single submitter. Criteria: Ambry Variant Classification Scheme 2023. Collection method: clinical testing. Allele origin: germline.

Labcorp Genetics (formerly Invitae), Labcorp
Classification: Uncertain significance. Last evaluated: 2022-11-22. Review status: criteria provided, single submitter. Criteria: Invitae Variant Classification Sherloc (09022015). Collection method: clinical testing. Allele origin: germline.
Comment: In summary, the available evidence is currently insufficient to determine the role of this variant in disease. Therefore, it has been classified as a Variant of Uncertain Significance. Advanced modeling of protein sequence and biophysical properties (such as structural, functional, and spatial information, amino acid conservation, physicochemical variation, residue mobility, and thermodynamic stability) performed at Invitae indicates that this missense variant is not expected to disrupt MYO3A protein function. ClinVar contains an entry for this variant (Variation ID: 1481733). This variant has not been reported in the literature in individuals affected with MYO3A-related conditions. This variant is present in population databases (rs147703579, gnomAD 0.02%). This sequence change replaces glutamine, which is neutral and polar, with arginine, which is basic and polar, at codon 576 of the MYO3A protein (p.Gln576Arg).

NM_017433.5(MYO3A):c.1727A>G (p.Gln576Arg)

Gene: MYO3A (myosin IIIA; plus strand). Cytogenetic location: 10p12.1.
Variant type: single nucleotide variant.
Coding change: c.1727A>G on transcript NM_017433.5 (MANE Select); coding-DNA position 1727, A replaced by G.
Protein change: p.Gln576Arg; replaces glutamine 576 with arginine.
Molecular consequence: missense variant.
Genome position (GRCh38, 1-based): chr10:26,096,633, A>G. VCF-style: chr10-26096633-A-G. GRCh37 (hg19) VCF-style: chr10-26385562-A-G.
Other names: c.1727A>G (NM_017433.4); short protein forms Q576R.
Identifiers: ClinVar variation 1481733 (VCV001481733.8), dbSNP rs147703579, ClinGen allele CA5444757.
Genomic context (GRCh38, chr10:26,096,633, plus strand): 5'-TACAAAATGACCACCTCAGAACAGTACAAGACATCATGAATAATAGTTTCTATAAATCCC[A>G]GTATGAATTAATTGAGCAATGTTTCAAAGTCATAGGTTTTACAATGGAGGTAAGTATGAA-3'
Protein context (NP_059129.3, residues 566-586): DIMNNSFYKS[Gln576Arg]YELIEQCFKV